The following is an entry in ClinVar:

ClinVar aggregate classification (germline): Uncertain significance. Review status: criteria provided, multiple submitters, no conflicts (2 of 4 stars). 4 submissions from 4 submitters: Uncertain significance (3). 1 of the submissions does not count toward it. Last evaluated 2024-11-27.

Conditions:
Inborn genetic diseases. Identifiers: MedGen C0950123, MeSH D030342.
Neuronal ceroid lipofuscinosis 7 (CLN7). Also called: MFSD8-Related Neuronal Ceroid-Lipofuscinosis. Identifiers: Orphanet 168491, Orphanet 228366, MedGen C1838571, MONDO:0012588, OMIM 610951.
Late-infantile neuronal ceroid lipofuscinosis. Also called: Jansky-Bielschowsky disease. Identifiers: MedGen C0022340, MONDO:0015674.

Allele frequency attached by ClinVar (database versions not stated): TOPMed 0.00001; ExAC 0.00003; gnomAD 0.00003 and 0.00004; gnomAD exomes 0.00003 and 0.00004; ESP Exome Variant Server 0.00008.
gnomAD v4.1: 61 of 1,613,824 alleles (0.0038%); highest among the groups gnomAD compares: Non-Finnish European, 0.0047%; no homozygotes.

Submissions (4):

Ambry Genetics
Classification: Uncertain significance for Inborn genetic diseases. Last evaluated: 2024-11-27. Review status: criteria provided, single submitter. Criteria: Ambry Variant Classification Scheme 2023. Collection method: clinical testing. Allele origin: germline.

Labcorp Genetics (formerly Invitae), Labcorp
Classification: Uncertain significance for Neuronal ceroid lipofuscinosis 7. Last evaluated: 2024-07-22. Review status: criteria provided, single submitter. Criteria: Invitae Variant Classification Sherloc (09022015). Collection method: clinical testing. Allele origin: germline.
Comment: This sequence change replaces proline, which is neutral and non-polar, with serine, which is neutral and polar, at codon 12 of the MFSD8 protein (p.Pro12Ser). This variant is present in population databases (rs371882083, gnomAD 0.006%). This variant has not been reported in the literature in individuals affected with MFSD8-related conditions. ClinVar contains an entry for this variant (Variation ID: 206145). An algorithm developed to predict the effect of missense changes on protein structure and function (PolyPhen-2) suggests that this variant is likely to be disruptive. In summary, the available evidence is currently insufficient to determine the role of this variant in disease. Therefore, it has been classified as a Variant of Uncertain Significance.

GeneDx
Classification: Uncertain significance. Last evaluated: 2018-07-03. Review status: criteria provided, single submitter. Criteria: GeneDx Variant Classification (06012015). Collection method: clinical testing. Allele origin: germline. Affected: yes.
Comment: p.Pro12Ser (CCG>TCG): c.34 C>T in exon 2 of the MFSD8 gene (NM_152778.2)A variant of unknown significance has been identified in the MFSD8 gene. The P12S variant has not been published as a mutation, nor has it been reported as a benign polymorphism to our knowledge. The P12S variant was not observed with any significant frequency in approximately 6,500 individuals of European and African American ancestry in the NHLBI Exome Sequencing Project. The P12S variant is a non-conservative amino acid substitution, which is likely to impact secondary protein structure as these residues differ in polarity, charge, size and/or other properties. This substitution occurs at a position that is conserved across mammals. However, in silico analysis is inconsistent in its predictions as to whether or not the variant is damaging to the protein structure/function. Therefore, based on the currently available information, it is unclear whether this variant is a pathogenic mutation or a rare benign variant. The variant is found in CHILD-EPI panel(s).

Natera, Inc.
Classification: Uncertain significance for Late-infantile neuronal ceroid lipofuscinosis. Last evaluated: 2019-10-28. Review status: no assertion criteria provided. Collection method: clinical testing. Allele origin: germline. Not counted in ClinVar's aggregate classification.

NM_001371596.2(MFSD8):c.34C>T (p.Pro12Ser)

Gene: MFSD8 (major facilitator superfamily domain containing 8; minus strand). Cytogenetic location: 4q28.2.
Variant type: single nucleotide variant.
Coding change: c.34C>T on transcript NM_001371596.2 (MANE Select); coding-DNA position 34, C replaced by T.
Protein change: p.Pro12Ser; replaces proline 12 with serine.
Molecular consequence: missense variant. On other transcripts: 5 prime UTR variant (1), intron variant (2).
Genome position (GRCh38, 1-based): chr4:127,965,100, G>A on the plus strand (C>T on the coding strand, the complement: MFSD8 is on the minus strand). VCF-style: chr4-127965100-G-A. GRCh37 (hg19) VCF-style: chr4-128886255-G-A.
Other names: p.P12S:CCG>TCG; c.34C>T, p.Pro12Ser (NM_001363520.3, NM_001363521.3, NM_001371591.2 and 5 more transcripts); c.-100C>T (NM_001371595.1); c.-74+797C>T (NM_001410765.1, NM_001371590.2); short protein forms P12S.
Identifiers: ClinVar variation 206145 (VCV000206145.11), dbSNP rs371882083, ClinGen allele CA315952.